The following is an entry in ClinVar:

ClinVar aggregate classification (germline): Uncertain significance (1 of 4 stars; one submission).

gnomAD v4.1: 2 of 1,578,572 alleles (0.00013%); highest among the groups gnomAD compares: Admixed American, 0.0019%; no homozygotes.

Submission:

Labcorp Genetics (formerly Invitae), Labcorp
Classification: Uncertain significance. Last evaluated: 2024-08-30. Review status: criteria provided, single submitter. Criteria: Invitae Variant Classification Sherloc (09022015). Collection method: clinical testing. Allele origin: germline.
Comment: This sequence change replaces asparagine, which is neutral and polar, with threonine, which is neutral and polar, at codon 994 of the GUCY2C protein (p.Asn994Thr). This variant is present in population databases (rs376786609, gnomAD 0.02%). This variant has not been reported in the literature in individuals affected with GUCY2C-related conditions. Invitae Evidence Modeling of protein sequence and biophysical properties (such as structural, functional, and spatial information, amino acid conservation, physicochemical variation, residue mobility, and thermodynamic stability) indicates that this missense variant is not expected to disrupt GUCY2C protein function with a negative predictive value of 80%. In summary, the available evidence is currently insufficient to determine the role of this variant in disease. Therefore, it has been classified as a Variant of Uncertain Significance.

NM_004963.4(GUCY2C):c.2981A>C (p.Asn994Thr)

Genes: GUCY2C (guanylate cyclase 2C; minus strand), PLBD1-AS1 (PLBD1 antisense RNA 1; plus strand). Cytogenetic location: 12p12.3.
Variant type: single nucleotide variant.
Coding change: c.2981A>C on transcript NM_004963.4 (MANE Select); coding-DNA position 2981, A replaced by C.
Protein change: p.Asn994Thr; replaces asparagine 994 with threonine.
Molecular consequence: missense variant.
Genome position (GRCh38, 1-based): chr12:14,614,933, T>G on the plus strand (A>C on the coding strand, the complement: GUCY2C is on the minus strand). VCF-style: chr12-14614933-T-G. GRCh37 (hg19) VCF-style: chr12-14767867-T-G.
Other names: short protein forms N994T.
Identifiers: ClinVar variation 3618168 (VCV003618168.2).